The following is an entry in ClinVar:

ClinVar aggregate classification (germline): Uncertain significance (1 of 4 stars; one submission).

Allele frequency attached by ClinVar (database versions not stated): ExAC 0.00001; gnomAD exomes 0.00001; TOPMed 0.00001; gnomAD 0.00003 and 0.00004.

Submission:

Labcorp Genetics (formerly Invitae), Labcorp
Classification: Uncertain significance. Last evaluated: 2024-10-22. Review status: criteria provided, single submitter. Criteria: Invitae Variant Classification Sherloc (09022015). Collection method: clinical testing. Allele origin: germline.
Comment: This sequence change replaces alanine, which is neutral and non-polar, with valine, which is neutral and non-polar, at codon 212 of the NKX6-2 protein (p.Ala212Val). This variant is present in population databases (rs762790182, gnomAD 0.008%). This variant has not been reported in the literature in individuals affected with NKX6-2-related conditions. ClinVar contains an entry for this variant (Variation ID: 1351908). Invitae Evidence Modeling of protein sequence and biophysical properties (such as structural, functional, and spatial information, amino acid conservation, physicochemical variation, residue mobility, and thermodynamic stability) indicates that this missense variant is expected to disrupt NKX6-2 protein function with a positive predictive value of 80%. In summary, the available evidence is currently insufficient to determine the role of this variant in disease. Therefore, it has been classified as a Variant of Uncertain Significance.

NM_177400.3(NKX6-2):c.635C>T (p.Ala212Val)

Gene: NKX6-2 (NK6 homeobox 2; minus strand). Cytogenetic location: 10q26.3.
Variant type: single nucleotide variant.
Coding change: c.635C>T on transcript NM_177400.3 (MANE Select); coding-DNA position 635, C replaced by T.
Protein change: p.Ala212Val; replaces alanine 212 with valine.
Molecular consequence: missense variant.
Genome position (GRCh38, 1-based): chr10:132,785,115, G>A on the plus strand (C>T on the coding strand, the complement: NKX6-2 is on the minus strand). VCF-style: chr10-132785115-G-A. GRCh37 (hg19) VCF-style: chr10-134598619-G-A.
Other names: short protein forms A212V.
Identifiers: ClinVar variation 1351908 (VCV001351908.6), dbSNP rs762790182, ClinGen allele CA5756031.